The following is an entry in ClinVar:

NM_007192.4(SUPT16H):c.2002C>T (p.Arg668Cys)

Gene: SUPT16H (SPT16 homolog, facilitates chromatin remodeling subunit; minus strand). Cytogenetic location: 14q11.2.
Variant type: single nucleotide variant.
Coding change: c.2002C>T on transcript NM_007192.4 (MANE Select); coding-DNA position 2002, C replaced by T.
Protein change: p.Arg668Cys; replaces arginine 668 with cysteine.
Molecular consequence: missense variant.
Genome position (GRCh38, 1-based): chr14:21,360,900, G>A on the plus strand (C>T on the coding strand, the complement: SUPT16H is on the minus strand). VCF-style: chr14-21360900-G-A. GRCh37 (hg19) VCF-style: chr14-21829059-G-A.
Other names: short protein forms R668C.
Identifiers: ClinVar variation 1710559 (VCV001710559.2), dbSNP rs2503026581, ClinGen allele CA388863376.

ClinVar aggregate classification (germline): Uncertain significance (1 of 4 stars; one submission).

Submission:

GeneDx
Classification: Uncertain significance. Last evaluated: 2022-04-13. Review status: criteria provided, single submitter. Criteria: GeneDx Variant Classification Process June 2021. Collection method: clinical testing. Allele origin: germline. Affected: yes.
Comment: Not observed at significant frequency in large population cohorts (gnomAD); In silico analysis supports that this missense variant has a deleterious effect on protein structure/function; Has not been previously published as pathogenic or benign to our knowledge